The following is an entry in ClinVar:

NM_004380.3(CREBBP):c.5831C>G (p.Ala1944Gly)

Gene: CREBBP (CREB binding lysine acetyltransferase; minus strand). Cytogenetic location: 16p13.3.
Variant type: single nucleotide variant.
Coding change: c.5831C>G on transcript NM_004380.3 (MANE Select); coding-DNA position 5831, C replaced by G.
Protein change: p.Ala1944Gly; replaces alanine 1944 with glycine.
Molecular consequence: missense variant.
Genome position (GRCh38, 1-based): chr16:3,729,216, G>C on the plus strand (C>G on the coding strand, the complement: CREBBP is on the minus strand). VCF-style: chr16-3729216-G-C. GRCh37 (hg19) VCF-style: chr16-3779217-G-C.
Other names: c.5717C>G, p.Ala1906Gly (NM_001079846.1); short protein forms A1944G, A1906G.
Identifiers: ClinVar variation 4088169 (VCV004088169.1).

ClinVar aggregate classification (germline): Uncertain significance (1 of 4 stars; one submission).

Submission:

GeneDx
Classification: Uncertain significance. Last evaluated: 2025-03-24. Review status: criteria provided, single submitter. Criteria: GeneDx Variant Classification Process June 2021. Collection method: clinical testing. Allele origin: germline. Affected: yes.
Comment: Not observed at significant frequency in large population cohorts (gnomAD); In silico analysis indicates that this missense variant does not alter protein structure/function; Has not been previously published as pathogenic or benign to our knowledge